The following is an entry in ClinVar:

ClinVar aggregate classification (germline): Uncertain significance (1 of 4 stars; one submission).

Conditions:
Wilms tumor 1 (WT1). Also called: Wilms tumor, somatic. Identifiers: Orphanet 654, MedGen CN033288, MONDO:0008679, OMIM 194070.

Allele frequency attached by ClinVar (database versions not stated): gnomAD exomes below 0.00001.
gnomAD v4.1: 2 of 1,186,111 alleles (0.00017%); highest among the groups gnomAD compares: Non-Finnish European, 0.00023%; no homozygotes.

Submission:

Labcorp Genetics (formerly Invitae), Labcorp
Classification: Uncertain significance for Wilms tumor 1. Last evaluated: 2022-09-24. Review status: criteria provided, single submitter. Criteria: Invitae Variant Classification Sherloc (09022015). Collection method: clinical testing. Allele origin: germline.
Comment: This sequence change replaces lysine, which is basic and polar, with arginine, which is basic and polar, at codon 465 of the GPC3 protein (p.Lys465Arg). This variant is present in population databases (no rsID available, gnomAD 0.001%), including at least one homozygous and/or hemizygous individual. This variant has not been reported in the literature in individuals affected with GPC3-related conditions. Advanced modeling of protein sequence and biophysical properties (such as structural, functional, and spatial information, amino acid conservation, physicochemical variation, residue mobility, and thermodynamic stability) has been performed at Invitae for this missense variant, however the output from this modeling did not meet the statistical confidence thresholds required to predict the impact of this variant on GPC3 protein function. In summary, the available evidence is currently insufficient to determine the role of this variant in disease. Therefore, it has been classified as a Variant of Uncertain Significance.

NM_004484.4(GPC3):c.1394A>G (p.Lys465Arg)

Gene: GPC3 (glypican 3; minus strand). Cytogenetic location: Xq26.2.
Variant type: single nucleotide variant.
Coding change: c.1394A>G on transcript NM_004484.4 (MANE Select); coding-DNA position 1394, A replaced by G.
Protein change: p.Lys465Arg; replaces lysine 465 with arginine.
Molecular consequence: missense variant.
Genome position (GRCh38, 1-based): chrX:133,661,749, T>C on the plus strand (A>G on the coding strand, the complement: GPC3 is on the minus strand). VCF-style: chrX-133661749-T-C. GRCh37 (hg19) VCF-style: chrX-132795777-T-C.
Other names: c.1463A>G, p.Lys488Arg (NM_001164617.2); c.1346A>G, p.Lys449Arg (NM_001164618.2); c.1232A>G, p.Lys411Arg (NM_001164619.2); short protein forms K411R, K449R, K488R, K465R.
Identifiers: ClinVar variation 2112273 (VCV002112273.4), dbSNP rs1297558330, ClinGen allele CA414704353.